The following is an entry in ClinVar:

ClinVar aggregate classification (germline): Uncertain significance (1 of 4 stars; one submission).

Conditions:
HNSHA due to aldolase A deficiency (GSD12). Also called: GLYCOGEN STORAGE DISEASE XII; GSD XII; RED CELL ALDOLASE DEFICIENCY; Glycogen storage disease due to aldolase A deficiency. Identifiers: Orphanet 57, MedGen C0272066, MONDO:0012747, OMIM 611881.

gnomAD v4.1: 1 of 1,614,006 alleles (0.000062%); highest among the groups gnomAD compares: Non-Finnish European, 0.000085%; no homozygotes.

Submission:

Labcorp Genetics (formerly Invitae), Labcorp
Classification: Uncertain significance for HNSHA due to aldolase A deficiency. Last evaluated: 2022-01-21. Review status: criteria provided, single submitter. Criteria: Invitae Variant Classification Sherloc (09022015). Collection method: clinical testing. Allele origin: germline.
Comment: This sequence change replaces threonine, which is neutral and polar, with isoleucine, which is neutral and non-polar, at codon 241 of the ALDOA protein (p.Thr241Ile). In summary, the available evidence is currently insufficient to determine the role of this variant in disease. Therefore, it has been classified as a Variant of Uncertain Significance. Algorithms developed to predict the effect of missense changes on protein structure and function are either unavailable or do not agree on the potential impact of this missense change (SIFT: "Deleterious"; PolyPhen-2: "Benign"; Align-GVGD: "Class C0"). This variant has not been reported in the literature in individuals affected with ALDOA-related conditions. This variant is not present in population databases (gnomAD no frequency).

NM_001243177.4(ALDOA):c.884C>T (p.Thr295Ile)

Genes: ALDOA (aldolase, fructose-bisphosphate A; plus strand), LOC112694756 (uncharaterized LOC112694756; plus strand). Cytogenetic location: 16p11.2.
Variant type: single nucleotide variant.
Coding change: c.884C>T on transcript NM_001243177.4 (MANE Select); coding-DNA position 884, C replaced by T.
Protein change: p.Thr295Ile; replaces threonine 295 with isoleucine.
Molecular consequence: missense variant. On other transcripts: 3 prime UTR variant (3).
Genome position (GRCh38, 1-based): chr16:30,069,596, C>T. VCF-style: chr16-30069596-C-T. GRCh37 (hg19) VCF-style: chr16-30080917-C-T.
Other names: c.*1231C>T (NM_001365304.2, NM_001365305.2, NM_001365307.2); c.722C>T, p.Thr241Ile (NM_001127617.2, NM_184041.5, NM_184043.2); short protein forms T241I, T295I.
Identifiers: ClinVar variation 1959944 (VCV001959944.5), dbSNP rs944420954, ClinGen allele CA395492044.